The following is an entry in ClinVar:

ClinVar aggregate classification (germline): Uncertain significance. Review status: criteria provided, multiple submitters, no conflicts (2 of 4 stars). 3 submissions from 3 submitters: Uncertain significance (3). Last evaluated 2026-07-30.

Conditions:
Pheochromocytoma/paraganglioma syndrome 3. Also called: GLOMUS TUMORS, FAMILIAL, 3; Paragangliomas 3; SDHC-Related Hereditary Paraganglioma-Pheochromocytoma Syndrome (Paragangliomas 3); SDHC-Related Hereditary Paraganglioma-Pheochromocytoma Syndrome. Identifiers: Orphanet 29072, MedGen C1854336, MONDO:0011544, OMIM 605373.
Gastrointestinal stromal tumor. Also called: Gastrointestinal stroma tumor; Gastrointestinal stromal tumor, somatic. Identifiers: Orphanet 44890, MedGen C0238198, MeSH D046152, MONDO:0011719, OMIM 606764, HP:0100723.
Hereditary cancer-predisposing syndrome. Also called: Hereditary Cancer Syndrome; Hereditary neoplastic syndrome; Neoplastic Syndromes, Hereditary; Tumor predisposition. Identifiers: Orphanet 140162, MedGen C0027672, MeSH D009386, MONDO:0015356.
Hereditary pheochromocytoma and paraganglioma. Also called: Hereditary Paraganglioma-Pheochromocytoma Syndromes; Hereditary pheochromocytoma-paraganglioma; Hereditary paragangliomas and pheochromocytomas. Identifiers: Orphanet 29072, MedGen C4274332, MONDO:0017366.

Allele frequency attached by ClinVar (database versions not stated): TOPMed 0.00001.

Submissions (3):

Ambry Genetics
Classification: Uncertain significance for Hereditary cancer-predisposing syndrome. Last evaluated: 2026-07-30. Review status: criteria provided, single submitter. Criteria: Ambry Variant Classification Scheme 2023. Collection method: clinical testing. Allele origin: germline.
Comment: The p.G152A variant (also known as c.455G>C), located in coding exon 6 of the SDHC gene, results from a G to C substitution at nucleotide position 455. The glycine at codon 152 is replaced by alanine, an amino acid with similar properties. This amino acid position is highly conserved in available vertebrate species. In addition, this alteration is predicted to be deleterious by in silico analysis. Based on the available evidence, the clinical significance of this variant remains unclear.

Labcorp Genetics (formerly Invitae), Labcorp
Classification: Uncertain significance for Pheochromocytoma/paraganglioma syndrome 3; Gastrointestinal stromal tumor. Last evaluated: 2026-01-16. Review status: criteria provided, single submitter. Criteria: Invitae Variant Classification Sherloc (09022015). Collection method: clinical testing. Allele origin: germline.
Comment: This sequence change replaces glycine, which is neutral and non-polar, with alanine, which is neutral and non-polar, at codon 152 of the SDHC protein (p.Gly152Ala). This variant is not present in population databases (gnomAD no frequency). This variant has not been reported in the literature in individuals affected with SDHC-related conditions. ClinVar contains an entry for this variant (Variation ID: 1741485). Invitae Evidence Modeling of protein sequence and biophysical properties (such as structural, functional, and spatial information, amino acid conservation, physicochemical variation, residue mobility, and thermodynamic stability) indicates that this missense variant is expected to disrupt SDHC protein function with a positive predictive value of 95%. In summary, the available evidence is currently insufficient to determine the role of this variant in disease. Therefore, it has been classified as a Variant of Uncertain Significance.

Color Diagnostics, LLC DBA Color Health
Classification: Uncertain significance for Hereditary pheochromocytoma and paraganglioma. Last evaluated: 2025-07-09. Review status: criteria provided, single submitter. Criteria: ACMG Guidelines, 2015. Collection method: clinical testing. Allele origin: germline.
Comment: This missense variant replaces glycine with alanine at codon 152 of the SDHC protein. Computational prediction suggests that this variant may have deleterious impact on protein structure and function. To our knowledge, functional studies have not been reported for this variant. This variant has not been reported in individuals affected with SDHC-related disorders in the literature. This variant has not been identified in the general population by the Genome Aggregation Database (gnomAD). The available evidence is insufficient to determine the role of this variant in disease conclusively. Therefore, this variant is classified as a Variant of Uncertain Significance.

NM_003001.5(SDHC):c.455G>C (p.Gly152Ala)

Gene: SDHC (succinate dehydrogenase complex subunit C; plus strand). Cytogenetic location: 1q23.3.
Variant type: single nucleotide variant.
Coding change: c.455G>C on transcript NM_003001.5 (MANE Select); coding-DNA position 455, G replaced by C.
Protein change: p.Gly152Ala; replaces glycine 152 with alanine.
Molecular consequence: missense variant.
Genome position (GRCh38, 1-based): chr1:161,362,378, G>C. VCF-style: chr1-161362378-G-C. GRCh37 (hg19) VCF-style: chr1-161332168-G-C.
Other names: c.291G>C, p.Trp97Cys (NM_001035511.3); c.353G>C, p.Gly118Ala (NM_001035512.3); c.296G>C, p.Gly99Ala (NM_001035513.3); c.189G>C, p.Trp63Cys (NM_001278172.3); c.575G>C, p.Gly192Ala (NM_001407115.1); c.398G>C, p.Gly133Ala (NM_001407116.1); c.392G>C, p.Gly131Ala (NM_001407117.1); c.347G>C, p.Gly116Ala (NM_001407118.1); and 2 more; short protein forms W63C, W78C, W97C, G152A, G192A, G116A, G118A, G131A.
Identifiers: ClinVar variation 1741485 (VCV001741485.8), dbSNP rs1060501386, ClinGen allele CA343457780.